The following is an entry in ClinVar:

NC_000019.10:g.39480737G>A

Gene: TIMM50 (translocase of inner mitochondrial membrane 50; plus strand). Cytogenetic location: 19q13.2.
Variant type: single nucleotide variant.
Genome position: GRCh38 VCF-style: chr19-39480737-G-A. GRCh37 (hg19) VCF-style: chr19-39971377-G-A.
Identifiers: ClinVar variation 1369940 (VCV001369940.7), dbSNP rs778353895, ClinGen allele CA308236792.

ClinVar aggregate classification (germline): Uncertain significance (1 of 4 stars; one submission).

Submission:

Labcorp Genetics (formerly Invitae), Labcorp
Classification: Uncertain significance. Last evaluated: 2022-01-12. Review status: criteria provided, single submitter. Criteria: Invitae Variant Classification Sherloc (09022015). Collection method: clinical testing. Allele origin: germline.
Comment: Algorithms developed to predict the effect of missense changes on protein structure and function are either unavailable or do not agree on the potential impact of this missense change (SIFT: "Not Available"; PolyPhen-2: "Benign"; Align-GVGD: "Not Available"). In summary, the available evidence is currently insufficient to determine the role of this variant in disease. Therefore, it has been classified as a Variant of Uncertain Significance. This variant has not been reported in the literature in individuals affected with TIMM50-related conditions. This sequence change replaces glycine, which is neutral and non-polar, with serine, which is neutral and polar, at codon 65 of the TIMM50 protein (p.Gly65Ser). This variant is present in population databases (no rsID available, gnomAD 0.0009%).